The following is an entry in ClinVar:

NM_001184880.2(PCDH19):c.3204C>A (p.Pro1068=)

Gene: PCDH19 (protocadherin 19; minus strand). Cytogenetic location: Xq22.1.
Variant type: single nucleotide variant.
Coding change: c.3204C>A on transcript NM_001184880.2 (MANE Select); coding-DNA position 3204, C replaced by A.
Protein change: p.Pro1068=; no amino-acid change (proline 1068 retained).
Molecular consequence: synonymous variant.
Genome position (GRCh38, 1-based): chrX:100,296,520, G>T on the plus strand (C>A on the coding strand, the complement: PCDH19 is on the minus strand). VCF-style: chrX-100296520-G-T. GRCh37 (hg19) VCF-style: chrX-99551518-G-T.
Other names: c.3063C>A, p.Pro1021= (NM_001105243.2); c.3060C>A, p.Pro1020= (NM_020766.3).
Identifiers: ClinVar variation 378326 (VCV000378326.14), dbSNP rs377415279, ClinGen allele CA10468658.

ClinVar aggregate classification (germline): Likely benign. Review status: criteria provided, multiple submitters, no conflicts (2 of 4 stars). 3 submissions from 3 submitters: Likely benign (3). Last evaluated 2025-12-21.

Conditions:
Developmental and epileptic encephalopathy, 9 (DEE9). Also called: EPILEPSY, FEMALE-RESTRICTED, WITH MENTAL RETARDATION; PCDH19-Related X-Linked Female-Limited Epilepsy with Mental Retardation; Early infantile epileptic encephalopathy 9; JUBERG-HELLMAN SYNDROME. Identifiers: Orphanet 101039, Orphanet 2076, MedGen C1848137, MONDO:0010246, OMIM 300088. Disease mechanism: loss of function.
Inborn genetic diseases. Identifiers: MedGen C0950123, MeSH D030342.

Allele frequency attached by ClinVar (database versions not stated): TOPMed 0.00002.
gnomAD v4.1: 27 of 1,211,106 alleles (0.0022%); highest among the groups gnomAD compares: Admixed American, 0.037%; no homozygotes.

Submissions (3):

Labcorp Genetics (formerly Invitae), Labcorp
Classification: Likely benign for Developmental and epileptic encephalopathy, 9. Last evaluated: 2025-12-21. Review status: criteria provided, single submitter. Criteria: Invitae Variant Classification Sherloc (09022015). Collection method: clinical testing. Allele origin: germline.

Ambry Genetics
Classification: Likely benign for Inborn genetic diseases. Last evaluated: 2018-10-23. Review status: criteria provided, single submitter. Criteria: Ambry Variant Classification Scheme 2023. Collection method: clinical testing. Allele origin: germline.

GeneDx
Classification: Likely benign. Last evaluated: 2015-11-18. Review status: criteria provided, single submitter. Criteria: GeneDx Variant Classification (06012015). Collection method: clinical testing. Allele origin: germline. Affected: yes.
Comment: This variant is considered likely benign or benign based on one or more of the following criteria: it is a conservative change, it occurs at a poorly conserved position in the protein, it is predicted to be benign by multiple in silico algorithms, and/or has population frequency not consistent with disease.